The following is an entry in ClinVar:

ClinVar aggregate classification (germline): Uncertain significance (1 of 4 stars; one submission).

Allele frequency attached by ClinVar (database versions not stated): TOPMed below 0.00001.
gnomAD v4.1: 1 of 1,550,628 alleles (0.000064%); no homozygotes.

Submission:

Labcorp Genetics (formerly Invitae), Labcorp
Classification: Uncertain significance. Last evaluated: 2020-03-27. Review status: criteria provided, single submitter. Criteria: Invitae Variant Classification Sherloc (09022015). Collection method: clinical testing. Allele origin: germline.
Comment: In summary, the available evidence is currently insufficient to determine the role of this variant in disease. Therefore, it has been classified as a Variant of Uncertain Significance. Algorithms developed to predict the effect of missense changes on protein structure and function are either unavailable or do not agree on the potential impact of this missense change (SIFT: "Deleterious"; PolyPhen-2: "Benign"; Align-GVGD: "Class C0"). This variant has not been reported in the literature in individuals with ARHGEF18-related conditions. This variant is not present in population databases (ExAC no frequency). This sequence change replaces arginine with glycine at codon 29 of the ARHGEF18 protein (p.Arg29Gly). The arginine residue is moderately conserved and there is a moderate physicochemical difference between arginine and glycine.

NM_001367823.1(ARHGEF18):c.968-319A>G

Gene: ARHGEF18 (Rho/Rac guanine nucleotide exchange factor 18; plus strand). Cytogenetic location: 19p13.2.
Variant type: single nucleotide variant.
Coding change: c.968-319A>G on transcript NM_001367823.1 (MANE Select); 319 bases into the intron before coding-DNA position 968, A replaced by G.
Molecular consequence: intron variant. On other transcripts: 5 prime UTR variant (1).
Genome position (GRCh38, 1-based): chr19:7,440,025, A>G. VCF-style: chr19-7440025-A-G. GRCh37 (hg19) VCF-style: chr19-7504911-A-G.
Other names: c.-78A>G (NM_001130955.2); c.-226-164A>G (NM_001367824.1); c.-71-319A>G (NM_015318.4).
Identifiers: ClinVar variation 1036612 (VCV001036612.9), dbSNP rs1309242743, ClinGen allele CA403092956.